The following is an entry in ClinVar:

NM_000127.3(EXT1):c.1685T>C (p.Leu562Pro)

Gene: EXT1 (exostosin glycosyltransferase 1; minus strand). Cytogenetic location: 8q24.11.
Variant type: single nucleotide variant.
Coding change: c.1685T>C on transcript NM_000127.3 (MANE Select); coding-DNA position 1685, T replaced by C.
Protein change: p.Leu562Pro; replaces leucine 562 with proline.
Molecular consequence: missense variant.
Genome position (GRCh38, 1-based): chr8:117,812,909, A>G on the plus strand (T>C on the coding strand, the complement: EXT1 is on the minus strand). VCF-style: chr8-117812909-A-G. GRCh37 (hg19) VCF-style: chr8-118825148-A-G.
Other names: short protein forms L562P.
Identifiers: ClinVar variation 2136694 (VCV002136694.5), dbSNP rs2129720069, ClinGen allele CA371881129.

ClinVar aggregate classification (germline): Pathogenic/Likely pathogenic. Review status: criteria provided, multiple submitters, no conflicts (2 of 4 stars). 2 submissions from 2 submitters: Pathogenic (1); Likely pathogenic (1). Last evaluated 2026-02-23.

Conditions:
Multiple congenital exostosis (EXT). Also called: MULTIPLE CARTILAGINOUS EXOSTOSES; Multiple osteochondromas; Hereditary multiple osteochondromas; Multiple exostoses; Hereditary multiple exostoses; Hereditary multiple exostosis. Identifiers: Orphanet 321, MedGen C0015306, MONDO:0005508, HP:0002762.
EXT1-related disorder. Also called: EXT1-related condition.

Submissions (2):

PreventionGenetics, part of Exact Sciences
Classification: Likely pathogenic for EXT1-related condition. Last evaluated: 2026-02-23. Review status: criteria provided, single submitter. Criteria: ACMG Guidelines, 2015. Collection method: clinical testing. Allele origin: germline.
Comment: The EXT1 c.1685T>C variant is predicted to result in the amino acid substitution p.Leu562Pro. This variant has been reported in individuals with autosomal dominant hereditary multiple osteochondromas (Jennes et al. 2008. PubMed ID: 18165274; Stancheva-Ivanova et al. 2011. PubMed ID: 21499719; Ciavarella et al. 2012. PubMed ID: 23262345). An alternate missense substitution at the same amino acid position (p.Leu562Arg) has also been reported in an individual with multiple osteochondromas (Table S1, Jennes et al. 2009. PubMed ID: 19810120). The c.1685T>C (p.Leu562Pro) variant has not been reported in a large population database (gnomAD), indicating this variant is rare. In summary, this variant is interpreted as likely pathogenic.

Labcorp Genetics (formerly Invitae), Labcorp
Classification: Pathogenic for Multiple congenital exostosis. Last evaluated: 2021-11-23. Review status: criteria provided, single submitter. Criteria: Invitae Variant Classification Sherloc (09022015). Collection method: clinical testing. Allele origin: germline.
Comment: Advanced modeling of protein sequence and biophysical properties (such as structural, functional, and spatial information, amino acid conservation, physicochemical variation, residue mobility, and thermodynamic stability) performed at Invitae indicates that this missense variant is expected to disrupt EXT1 protein function. For these reasons, this variant has been classified as Pathogenic. This missense change has been observed in individual(s) with multiple osteochondromas (PMID: 18165274, 21499719, 23262345). This variant is not present in population databases (gnomAD no frequency). This sequence change replaces leucine, which is neutral and non-polar, with proline, which is neutral and non-polar, at codon 562 of the EXT1 protein (p.Leu562Pro).

Literature cited by the submitters: PubMed 18165274 (cited by Labcorp Genetics (formerly Invitae), Labcorp); PubMed 21499719 (cited by Labcorp Genetics (formerly Invitae), Labcorp); PubMed 23262345 (cited by Labcorp Genetics (formerly Invitae), Labcorp).